The following is an entry in ClinVar:

NM_032043.3(BRIP1):c.676dup (p.Ser226fs)

Gene: BRIP1 (BRCA1 interacting DNA helicase 1; minus strand). Cytogenetic location: 17q23.2.
Variant type: Duplication.
Coding change: c.676dup on transcript NM_032043.3 (MANE Select); coding-DNA position 676, one base duplicated (A; older notation c.676dupA).
Protein change: p.Ser226fs; shifts the reading frame from serine 226.
Molecular consequence: frameshift variant.
Genome position (GRCh38, 1-based): chr17:61,808,709, T duplicated on the plus strand (A on the coding strand, the reverse complement: BRIP1 is on the minus strand). VCF-style (leftmost placement, unchanged base first): chr17-61808708-C-CT. GRCh37 (hg19) VCF-style: chr17-59886069-C-CT.
Other names: short protein forms S226fs.
Identifiers: ClinVar variation 2431336 (VCV002431336.1), dbSNP rs2545199810, ClinGen allele CA2580094699.
Genomic context (GRCh38, chr17:61,808,708, plus strand): 5'-ATTTTGGGTATCTTGGATTTCCCTGTATGATCCTTCTTAATGGTATTCGATGACTCTTGA[C>CT]TGTTTCCTTGTTTAGTAGAACAACAGCACCTAGAACAGTGGCCAGGGGGCTGTAAGAAAG-3'

ClinVar aggregate classification (germline): Pathogenic (1 of 4 stars; one submission).

Conditions:
Familial cancer of breast. Also called: Hereditary breast cancer; BREAST CANCER, FAMILIAL; hereditary breast carcinoma. Identifiers: Orphanet 227535, MedGen C0346153, MONDO:0016419, OMIM 114480. Disease mechanism: loss of function.

Submission:

Myriad Genetics, Inc.
Classification: Pathogenic for Familial cancer of breast. Last evaluated: 2023-01-17. Review status: criteria provided, single submitter. Criteria: Myriad Autosomal Dominant, Autosomal Recessive and X-Linked Classification Criteria (2023). Collection method: clinical testing. Allele origin: unknown.
Comment: This variant is considered pathogenic. This variant creates a frameshift predicted to result in premature protein truncation.